The following is an entry in ClinVar:

ClinVar aggregate classification (germline): Conflicting classifications of pathogenicity. Review status: criteria provided, conflicting classifications (1 of 4 stars). 2 submissions from 2 submitters: Likely pathogenic (1); Uncertain significance (1). Last evaluated 2026-10-09.

Submissions (2):

GeneDx
Classification: Likely pathogenic. Last evaluated: 2026-10-09. Review status: criteria provided, single submitter. Criteria: GeneDx Variant Classification Process June 2021. Collection method: clinical testing. Allele origin: germline.
Comment: Not observed at significant frequency in large population cohorts (gnomAD); In silico analysis supports that this missense variant has a deleterious effect on protein structure/function; Has not been previously published as pathogenic or benign to our knowledge

Blueprint Genetics
Classification: Uncertain significance. Last evaluated: 2024-10-31. Review status: criteria provided, single submitter. Criteria: ACMG Guidelines, 2015. Collection method: clinical testing. Allele origin: germline.

NM_007279.3(U2AF2):c.530G>T (p.Gly177Val)

Gene: U2AF2 (U2 small nuclear RNA auxiliary factor 2; plus strand). Cytogenetic location: 19q13.42.
Variant type: single nucleotide variant.
Coding change: c.530G>T on transcript NM_007279.3 (MANE Select); coding-DNA position 530, G replaced by T.
Protein change: p.Gly177Val; replaces glycine 177 with valine.
Molecular consequence: missense variant.
Genome position (GRCh38, 1-based): chr19:55,662,545, G>T. VCF-style: chr19-55662545-G-T. GRCh37 (hg19) VCF-style: chr19-56173911-G-T.
Other names: c.530G>T, p.Gly177Val (NM_001012478.2); short protein forms G177V.
Identifiers: ClinVar variation 3573511 (VCV003573511.3).